The following is an entry in ClinVar:

ClinVar aggregate classification (germline): Uncertain significance. Review status: criteria provided, multiple submitters, no conflicts (2 of 4 stars). 2 submissions from 2 submitters: Uncertain significance (2). Last evaluated 2025-04-17.

Conditions:
Autosomal recessive Alport syndrome (ATS2). Also called: COL4A4 Alport Syndrome and Thin Basement Membrane Nephropathy; COL4A3-Related Nephropathy; ALPORT SYNDROME 2, AUTOSOMAL RECESSIVE; Alport syndrome type 2. Identifiers: Orphanet 63, Orphanet 88919, MedGen C4746745, MONDO:0008762, OMIM 203780.
Hematuria, benign familial, 1 (BFH1). Also called: THIN MEMBRANE NEPHROPATHY. Identifiers: MedGen CN376803, MONDO:0007709, OMIM 141200.

Allele frequency attached by ClinVar (database versions not stated): TOPMed below 0.00001; gnomAD exomes 0.00001.
gnomAD v4.1: 7 of 1,614,042 alleles (0.00043%); highest among the groups gnomAD compares: Middle Eastern, 0.016%; no homozygotes.

Submissions (2):

Labcorp Genetics (formerly Invitae), Labcorp
Classification: Uncertain significance. Last evaluated: 2025-04-17. Review status: criteria provided, single submitter. Criteria: Invitae Variant Classification Sherloc (09022015). Collection method: clinical testing. Allele origin: germline.
Comment: This sequence change replaces proline, which is neutral and non-polar, with serine, which is neutral and polar, at codon 740 of the COL4A4 protein (p.Pro740Ser). This variant is not present in population databases (gnomAD no frequency). This variant has not been reported in the literature in individuals affected with COL4A4-related conditions. ClinVar contains an entry for this variant (Variation ID: 2162208). Invitae Evidence Modeling of protein sequence and biophysical properties (such as structural, functional, and spatial information, amino acid conservation, physicochemical variation, residue mobility, and thermodynamic stability) indicates that this missense variant is not expected to disrupt COL4A4 protein function with a negative predictive value of 95%. In summary, the available evidence is currently insufficient to determine the role of this variant in disease. Therefore, it has been classified as a Variant of Uncertain Significance.

Fulgent Genetics
Classification: Uncertain significance for Hematuria, benign familial, 1; Autosomal recessive Alport syndrome. Last evaluated: 2024-06-03. Review status: criteria provided, single submitter. Criteria: ACMG Guidelines, 2015. Collection method: clinical testing. Allele origin: germline.

NM_000092.5(COL4A4):c.2218C>T (p.Pro740Ser)

Gene: COL4A4 (collagen type IV alpha 4 chain; minus strand). Cytogenetic location: 2q36.3.
Variant type: single nucleotide variant.
Coding change: c.2218C>T on transcript NM_000092.5 (MANE Select); coding-DNA position 2218, C replaced by T.
Protein change: p.Pro740Ser; replaces proline 740 with serine.
Molecular consequence: missense variant.
Genome position (GRCh38, 1-based): chr2:227,059,570, G>A on the plus strand (C>T on the coding strand, the complement: COL4A4 is on the minus strand). VCF-style: chr2-227059570-G-A. GRCh37 (hg19) VCF-style: chr2-227924286-G-A.
Other names: short protein forms P740S.
Identifiers: ClinVar variation 2162208 (VCV002162208.3), dbSNP rs1976360591, ClinGen allele CA350842132.